The following is an entry in ClinVar:

ClinVar aggregate classification (germline): Uncertain significance (1 of 4 stars; one submission).

Conditions:
Autosomal recessive limb-girdle muscular dystrophy type 2Y (MRRSDC). Also called: Muscular dystrophy, autosomal recessive, with rigid spine and distal joint contractures; Muscular dystrophy, limb-girdle, type 2y. Identifiers: Orphanet 424261, MedGen C4511482, MONDO:0014900, OMIM 617072.

Submission:

Labcorp Genetics (formerly Invitae), Labcorp
Classification: Uncertain significance for Autosomal recessive limb-girdle muscular dystrophy type 2Y. Last evaluated: 2025-10-27. Review status: criteria provided, single submitter. Criteria: Invitae Variant Classification Sherloc (09022015). Collection method: clinical testing. Allele origin: germline.
Comment: This sequence change replaces alanine, which is neutral and non-polar, with valine, which is neutral and non-polar, at codon 162 of the TOR1AIP1 protein (p.Ala162Val). This variant is not present in population databases (gnomAD no frequency). This variant has not been reported in the literature in individuals affected with TOR1AIP1-related conditions. ClinVar contains an entry for this variant (Variation ID: 2416582). Invitae Evidence Modeling of protein sequence and biophysical properties (such as structural, functional, and spatial information, amino acid conservation, physicochemical variation, residue mobility, and thermodynamic stability) indicates that this missense variant is not expected to disrupt TOR1AIP1 protein function with a negative predictive value of 80%. In summary, the available evidence is currently insufficient to determine the role of this variant in disease. Therefore, it has been classified as a Variant of Uncertain Significance.

NM_015602.4(TOR1AIP1):c.485C>T (p.Ala162Val)

Gene: TOR1AIP1 (torsin 1A interacting protein 1; plus strand). Cytogenetic location: 1q25.2.
Variant type: single nucleotide variant.
Coding change: c.485C>T on transcript NM_015602.4 (MANE Select); coding-DNA position 485, C replaced by T.
Protein change: p.Ala162Val; replaces alanine 162 with valine.
Molecular consequence: missense variant.
Genome position (GRCh38, 1-based): chr1:179,884,701, C>T. VCF-style: chr1-179884701-C-T. GRCh37 (hg19) VCF-style: chr1-179853836-C-T.
Other names: c.485C>T, p.Ala162Val (NM_001267578.2); short protein forms A162V.
Identifiers: ClinVar variation 2416582 (VCV002416582.7), dbSNP rs2526566878, ClinGen allele CA343579189.
Genomic context (GRCh38, chr1:179,884,701, plus strand): 5'-CTCCCAGGTCATATATTCTGAATTTTAACTCTTGTTATGTCTGTTTTTTAGAGGATGAAG[C>T]ATCTTCCCAAACTGATTTAAGCCAAACGATCTCAAAGAAAACTGTCAGGAGCATACAAGA-3'
Protein context (NP_056417.2, residues 152-172): RDSHSSEEDE[Ala162Val]SSQTDLSQTI